The following is an entry in ClinVar:

NM_006947.4(SRP72):c.1534A>G (p.Met512Val)

Gene: SRP72 (signal recognition particle 72; plus strand). Cytogenetic location: 4q12.
Variant type: single nucleotide variant.
Coding change: c.1534A>G on transcript NM_006947.4 (MANE Select); coding-DNA position 1534, A replaced by G.
Protein change: p.Met512Val; replaces methionine 512 with valine.
Molecular consequence: missense variant. On other transcripts: non-coding transcript variant (1).
Genome position (GRCh38, 1-based): chr4:56,491,462, A>G. VCF-style: chr4-56491462-A-G. GRCh37 (hg19) VCF-style: chr4-57357628-A-G.
Other names: c.1351A>G, p.Met451Val (NM_001267722.2); short protein forms M512V, M451V.
Identifiers: ClinVar variation 4174945 (VCV004174945.1).

ClinVar aggregate classification (germline): Uncertain significance (1 of 4 stars; one submission).

gnomAD v4.1: 3 of 1,613,824 alleles (0.00019%); highest among the groups gnomAD compares: Non-Finnish European, 0.00025%; no homozygotes.

Submission:

Ambry Genetics
Classification: Uncertain significance. Last evaluated: 2025-07-25. Review status: criteria provided, single submitter. Criteria: Ambry Variant Classification Scheme 2023. Collection method: clinical testing. Allele origin: germline.
Comment: The p.M512V variant (also known as c.1534A>G), located in coding exon 16 of the SRP72 gene, results from an A to G substitution at nucleotide position 1534. The methionine at codon 512 is replaced by valine, an amino acid with highly similar properties. This amino acid position is conserved. In addition, the in silico prediction for this alteration is inconclusive. Based on the available evidence, the clinical significance of this variant remains unclear.